The following is an entry in ClinVar:

ClinVar aggregate classification (germline): Uncertain significance (1 of 4 stars; one submission).

Conditions:
Thrombophilia due to protein S deficiency, autosomal recessive (THPH6). Identifiers: Orphanet 743, MedGen C3281092, MONDO:0013791, OMIM 614514. Disease mechanism: loss of function.

Allele frequency attached by ClinVar (database versions not stated): gnomAD 0.00001; ExAC 0.00002; TOPMed 0.00003.
gnomAD v4.1: 9 of 1,613,942 alleles (0.00056%); highest among the groups gnomAD compares: African/African-American, 0.0013%; no homozygotes.

Submission:

Labcorp Genetics (formerly Invitae), Labcorp
Classification: Uncertain significance for Thrombophilia due to protein S deficiency, autosomal recessive. Last evaluated: 2024-03-13. Review status: criteria provided, single submitter. Criteria: Invitae Variant Classification Sherloc (09022015). Collection method: clinical testing. Allele origin: germline.
Comment: This sequence change replaces arginine, which is basic and polar, with cysteine, which is neutral and slightly polar, at codon 40 of the PROS1 protein (p.Arg40Cys). This variant is present in population databases (rs772628286, gnomAD 0.003%). This variant has not been reported in the literature in individuals affected with PROS1-related conditions. Advanced modeling of protein sequence and biophysical properties (such as structural, functional, and spatial information, amino acid conservation, physicochemical variation, residue mobility, and thermodynamic stability) has been performed at Invitae for this missense variant, however the output from this modeling did not meet the statistical confidence thresholds required to predict the impact of this variant on PROS1 protein function. In summary, the available evidence is currently insufficient to determine the role of this variant in disease. Therefore, it has been classified as a Variant of Uncertain Significance.

NM_000313.4(PROS1):c.118C>T (p.Arg40Cys)

Gene: PROS1 (protein S; minus strand). Cytogenetic location: 3q11.1.
Variant type: single nucleotide variant.
Coding change: c.118C>T on transcript NM_000313.4 (MANE Select); coding-DNA position 118, C replaced by T.
Protein change: p.Arg40Cys; replaces arginine 40 with cysteine.
Molecular consequence: missense variant.
Genome position (GRCh38, 1-based): chr3:93,927,366, G>A on the plus strand (C>T on the coding strand, the complement: PROS1 is on the minus strand). VCF-style: chr3-93927366-G-A. GRCh37 (hg19) VCF-style: chr3-93646210-G-A.
Other names: c.214C>T, p.Arg72Cys (NM_001314077.2); short protein forms R72C, R40C.
Identifiers: ClinVar variation 2912655 (VCV002912655.3), dbSNP rs772628286, ClinGen allele CA2503590.